The following is an entry in ClinVar:

ClinVar aggregate classification (germline): Likely benign (1 of 4 stars; one submission).

Conditions:
Hyperinsulinism-hyperammonemia syndrome (HHF6). Identifiers: Orphanet 35878, MedGen C1847555, MONDO:0011717, OMIM 606762.

Allele frequency attached by ClinVar (database versions not stated): gnomAD 0.00030 and 0.00031; TOPMed 0.00040; 1000 Genomes Project 30x 0.00047; 1000 Genomes Project 0.00060.

Submission:

Illumina Laboratory Services, Illumina
Classification: Likely benign for Hyperinsulinism-hyperammonemia syndrome. Last evaluated: 2018-01-12. Review status: criteria provided, single submitter. Criteria: ICSL Variant Classification Criteria 13 December 2019. Collection method: clinical testing. Allele origin: germline.
Comment: This variant was observed in the ICSL laboratory as part of a predisposition screen in an ostensibly healthy population. It had not been previously curated by ICSL or reported in the Human Gene Mutation Database (HGMD: prior to June 1st, 2018), and was therefore a candidate for classification through an automated scoring system. Utilizing variant allele frequency, disease prevalence and penetrance estimates, and inheritance mode, an automated score was calculated to assess if this variant is too frequent to cause the disease. Based on the score and internal cut-off values, a variant classified as likely benign is not then subjected to further curation. The score for this variant resulted in a classification of likely benign for this disease.

NM_005271.5(GLUD1):c.*1379C>T

Gene: GLUD1 (glutamate dehydrogenase 1; minus strand). Cytogenetic location: 10q23.2.
Variant type: single nucleotide variant.
Coding change: c.*1379C>T on transcript NM_005271.5 (MANE Select); 1379 bases downstream of the stop codon, C replaced by T.
Molecular consequence: 3 prime UTR variant.
Genome position (GRCh38, 1-based): chr10:87,050,372, G>A on the plus strand (C>T on the coding strand, the complement: GLUD1 is on the minus strand). VCF-style: chr10-87050372-G-A. GRCh37 (hg19) VCF-style: chr10-88810129-G-A.
Other names: c.*1379C>T (NM_001318900.1, NM_001318901.1, NM_001318902.1 and 3 more transcripts).
Identifiers: ClinVar variation 877600 (VCV000877600.4), dbSNP rs181813972, ClinGen allele CA211204940.
Genomic context (GRCh38, chr10:87,050,372, plus strand): 5'-CACCGAACAAAAAAAAAAAAAACAATTCAAGAATAAAATCTGGGCAGCTCACAATAAAGT[G>A]GAAGGAAATGTTATACAGGTGGTCGCTATAAACATTTCAGAAATCCAATTGCAGTATTAT-3'